The following is an entry in ClinVar:

NM_003392.7(WNT5A):c.13A>G (p.Ile5Val)

Gene: WNT5A (Wnt family member 5A; minus strand). Cytogenetic location: 3p14.3.
Variant type: single nucleotide variant.
Coding change: c.13A>G on transcript NM_003392.7 (MANE Select); coding-DNA position 13, A replaced by G.
Protein change: p.Ile5Val; replaces isoleucine 5 with valine.
Molecular consequence: missense variant. On other transcripts: 5 prime UTR variant (3).
Genome position (GRCh38, 1-based): chr3:55,480,912, T>C on the plus strand (A>G on the coding strand, the complement: WNT5A is on the minus strand). VCF-style: chr3-55480912-T-C. GRCh37 (hg19) VCF-style: chr3-55514940-T-C.
Other names: c.13A>G (NM_003392.3); c.-33A>G (NM_001256105.1, NM_001377271.1, NM_001377272.1); short protein forms I5V.
Identifiers: ClinVar variation 1445363 (VCV001445363.10), dbSNP rs370383438, ClinGen allele CA2459139.

ClinVar aggregate classification (germline): Conflicting classifications of pathogenicity. Review status: criteria provided, conflicting classifications (1 of 4 stars). 3 submissions from 3 submitters: Uncertain significance (1); Likely benign (2). Last evaluated 2025-05-18.

Conditions:
Inborn genetic diseases. Identifiers: MedGen C0950123, MeSH D030342.

Allele frequency attached by ClinVar (database versions not stated): gnomAD exomes 0.00007; ExAC 0.00009; TOPMed 0.00011; ESP Exome Variant Server 0.00017.
gnomAD v4.1: 41 of 1,549,646 alleles (0.0026%); highest among the groups gnomAD compares: African/African-American, 0.034%; no homozygotes.

Submissions (3):

Labcorp Genetics (formerly Invitae), Labcorp
Classification: Uncertain significance. Last evaluated: 2025-05-18. Review status: criteria provided, single submitter. Criteria: Invitae Variant Classification Sherloc (09022015). Collection method: clinical testing. Allele origin: germline.
Comment: This sequence change replaces isoleucine, which is neutral and non-polar, with valine, which is neutral and non-polar, at codon 5 of the WNT5A protein (p.Ile5Val). This variant is present in population databases (rs370383438, gnomAD 0.05%), and has an allele count higher than expected for a pathogenic variant. This variant has not been reported in the literature in individuals affected with WNT5A-related conditions. ClinVar contains an entry for this variant (Variation ID: 1445363). An algorithm developed to predict the effect of missense changes on protein structure and function (PolyPhen-2) suggests that this variant is likely to be tolerated. In summary, the available evidence is currently insufficient to determine the role of this variant in disease. Therefore, it has been classified as a Variant of Uncertain Significance.

Ambry Genetics
Classification: Likely benign for Inborn genetic diseases. Last evaluated: 2024-10-20. Review status: criteria provided, single submitter. Criteria: Ambry Variant Classification Scheme 2023. Collection method: clinical testing. Allele origin: germline.

Blueprint Genetics
Classification: Likely benign. Last evaluated: 2024-01-18. Review status: criteria provided, single submitter. Criteria: ACMG Guidelines, 2015. Collection method: clinical testing. Allele origin: germline.